The following is an entry in ClinVar:

NM_001844.5(COL2A1):c.1958G>A (p.Arg653Gln)

Gene: COL2A1 (collagen type II alpha 1 chain; minus strand). Cytogenetic location: 12q13.11.
Variant type: single nucleotide variant.
Coding change: c.1958G>A on transcript NM_001844.5 (MANE Select); coding-DNA position 1958, G replaced by A.
Protein change: p.Arg653Gln; replaces arginine 653 with glutamine.
Molecular consequence: missense variant.
Genome position (GRCh38, 1-based): chr12:47,983,720, C>T on the plus strand (G>A on the coding strand, the complement: COL2A1 is on the minus strand). VCF-style: chr12-47983720-C-T. GRCh37 (hg19) VCF-style: chr12-48377503-C-T.
Other names: c.1751G>A, p.Arg584Gln (NM_033150.3); short protein forms R653Q, R584Q.
Identifiers: ClinVar variation 430192 (VCV000430192.9), dbSNP rs1131691824, ClinGen allele CA384548540.

ClinVar aggregate classification (germline): Uncertain significance. Review status: criteria provided, multiple submitters, no conflicts (2 of 4 stars). 3 submissions from 3 submitters: Uncertain significance (3). Last evaluated 2026-07-21.

Allele frequency attached by ClinVar (database versions not stated): gnomAD exomes below 0.00001.
gnomAD v4.1: 1 of 1,595,034 alleles (0.000063%); highest among the groups gnomAD compares: Non-Finnish European, 0.000085%; no homozygotes.

Submissions (3):

GeneDx
Classification: Uncertain significance. Last evaluated: 2026-07-21. Review status: criteria provided, single submitter. Criteria: GeneDx Variant Classification Process June 2021. Collection method: clinical testing. Allele origin: germline.
Comment: Not observed at significant frequency in large population cohorts (gnomAD); In silico analysis suggests that this missense variant does not alter protein structure/function; Has not been previously published as pathogenic or benign to our knowledge; Occurs in the triple helical domain at the Y position in the canonical Gly-X-Y repeat; although this variant may have an effect on normal protein folding and function, missense substitution at the Y position is not a common mechanism of disease (HGMD)

Labcorp Genetics (formerly Invitae), Labcorp
Classification: Uncertain significance. Last evaluated: 2026-01-14. Review status: criteria provided, single submitter. Criteria: Invitae Variant Classification Sherloc (09022015). Collection method: clinical testing. Allele origin: germline.
Comment: This sequence change replaces arginine, which is basic and polar, with glutamine, which is neutral and polar, at codon 653 of the COL2A1 protein (p.Arg653Gln). This variant is not present in population databases (gnomAD no frequency). This variant has not been reported in the literature in individuals affected with COL2A1-related conditions. ClinVar contains an entry for this variant (Variation ID: 430192). Invitae Evidence Modeling of protein sequence and biophysical properties (such as structural, functional, and spatial information, amino acid conservation, physicochemical variation, residue mobility, and thermodynamic stability) indicates that this missense variant is not expected to disrupt COL2A1 protein function with a negative predictive value of 95%. In summary, the available evidence is currently insufficient to determine the role of this variant in disease. Therefore, it has been classified as a Variant of Uncertain Significance.

Women's Health and Genetics/Laboratory Corporation of America, LabCorp
Classification: Uncertain significance. Last evaluated: 2026-01-09. Review status: criteria provided, single submitter. Criteria: LabCorp Variant Classification Summary - May 2015. Collection method: clinical testing. Allele origin: germline.
Comment: Variant summary: COL2A1 c.1958G>A (p.Arg653Gln) results in a conservative amino acid change in the encoded protein sequence. Algorithms developed to predict the effect of missense changes on protein structure and function are either unavailable or do not agree on the potential impact of this missense change. The variant was absent in 215238 control chromosomes. The available data on variant occurrences in the general population are insufficient to allow any conclusion about variant significance. To our knowledge, no occurrence of c.1958G>A in individuals affected with COL2A1-related conditions and no experimental evidence demonstrating its impact on protein function have been reported. ClinVar contains an entry for this variant (Variation ID: 430192). Based on the evidence outlined above, the variant was classified as uncertain significance.